The following is an entry in ClinVar:

NM_000059.4(BRCA2):c.8332-3C>A

Gene: BRCA2 (BRCA2 DNA repair associated; plus strand). Cytogenetic location: 13q13.1.
Variant type: single nucleotide variant.
Coding change: c.8332-3C>A on transcript NM_000059.4 (MANE Select); 3 bases into the intron before coding-DNA position 8332, C replaced by A.
Molecular consequence: intron variant.
Genome position (GRCh38, 1-based): chr13:32,370,399, C>A. VCF-style: chr13-32370399-C-A. GRCh37 (hg19) VCF-style: chr13-32944536-C-A.
Identifiers: ClinVar variation 230512 (VCV000230512.6), dbSNP rs587782093, ClinGen allele CA10579779.

ClinVar aggregate classification (germline): Uncertain significance (1 of 4 stars; one submission).

Conditions:
Hereditary cancer-predisposing syndrome. Also called: Tumor predisposition; Hereditary neoplastic syndrome; Hereditary Cancer Syndrome; Neoplastic Syndromes, Hereditary. Identifiers: Orphanet 140162, MedGen C0027672, MeSH D009386, MONDO:0015356.

Submission:

Ambry Genetics
Classification: Uncertain significance for Hereditary cancer-predisposing syndrome. Last evaluated: 2026-02-18. Review status: criteria provided, single submitter. Criteria: Ambry Variant Classification Scheme 2023. Collection method: clinical testing. Allele origin: germline.
Comment: The c.8332-3C>A intronic variant results from a C to A substitution 3 nucleotides upstream from coding exon 18 in the BRCA2 gene. This nucleotide position is not well conserved in available vertebrate species. In silico splice site analysis predicts that this alteration may weaken the native splice acceptor site. Based on the available evidence, the clinical significance of this variant remains unclear.